The following is an entry in ClinVar:

NM_032776.3(JMJD1C):c.1345C>T (p.Arg449Trp)

Gene: JMJD1C (jumonji domain containing 1C; minus strand). Cytogenetic location: 10q21.3.
Variant type: single nucleotide variant.
Coding change: c.1345C>T on transcript NM_032776.3 (MANE Select); coding-DNA position 1345, C replaced by T.
Protein change: p.Arg449Trp; replaces arginine 449 with tryptophan.
Molecular consequence: missense variant. On other transcripts: non-coding transcript variant (1).
Genome position (GRCh38, 1-based): chr10:63,214,822, G>A on the plus strand (C>T on the coding strand, the complement: JMJD1C is on the minus strand). VCF-style: chr10-63214822-G-A. GRCh37 (hg19) VCF-style: chr10-64974582-G-A.
Other names: c.799C>T, p.Arg267Trp (NM_001282948.2, NM_001318154.2); c.481C>T, p.Arg161Trp (NM_001318153.2); c.1231C>T, p.Arg411Trp (NM_001322252.2); c.688C>T, p.Arg230Trp (NM_001322254.2, NM_001322258.2); c.1345C>T (NM_032776.1); short protein forms R161W, R230W, R267W, R411W, R449W.
Identifiers: ClinVar variation 1058642 (VCV001058642.32), dbSNP rs778857216, ClinGen allele CA5518822.

ClinVar aggregate classification (germline): Conflicting classifications of pathogenicity. Review status: criteria provided, conflicting classifications (1 of 4 stars). 3 submissions from 3 submitters: Uncertain significance (2); Likely benign (1). Last evaluated 2025-12-31.

Conditions:
Early Myoclonic Encephalopathy. Identifiers: MedGen C0270855.

Allele frequency attached by ClinVar (database versions not stated): gnomAD 0.00001; TOPMed 0.00002; gnomAD exomes 0.00005; ExAC 0.00006.
gnomAD v4.1: 49 of 1,613,626 alleles (0.003%); highest among the groups gnomAD compares: South Asian, 0.016%; no homozygotes.

Submissions (3):

Labcorp Genetics (formerly Invitae), Labcorp
Classification: Uncertain significance for Early Myoclonic Encephalopathy. Last evaluated: 2025-12-31. Review status: criteria provided, single submitter. Criteria: Invitae Variant Classification Sherloc (09022015). Collection method: clinical testing. Allele origin: germline.
Comment: This sequence change replaces arginine, which is basic and polar, with tryptophan, which is neutral and slightly polar, at codon 449 of the JMJD1C protein (p.Arg449Trp). This variant is present in population databases (rs778857216, gnomAD 0.02%). This variant has not been reported in the literature in individuals affected with JMJD1C-related conditions. ClinVar contains an entry for this variant (Variation ID: 1058642). Invitae Evidence Modeling of protein sequence and biophysical properties (such as structural, functional, and spatial information, amino acid conservation, physicochemical variation, residue mobility, and thermodynamic stability) indicates that this missense variant is not expected to disrupt JMJD1C protein function with a negative predictive value of 80%. In summary, the available evidence is currently insufficient to determine the role of this variant in disease. Therefore, it has been classified as a Variant of Uncertain Significance.

Ambry Genetics
Classification: Uncertain significance. Last evaluated: 2025-05-20. Review status: criteria provided, single submitter. Criteria: Ambry Variant Classification Scheme 2023. Collection method: clinical testing. Allele origin: germline.

CeGaT Center for Human Genetics Tuebingen
Classification: Likely benign. Last evaluated: 2023-03-01. Review status: criteria provided, single submitter. Criteria: CeGaT Center For Human Genetics Tuebingen Variant Classification Criteria Version 2. Collection method: clinical testing. Allele origin: germline. Affected: yes. Observed: 1 variant allele.
Comment: JMJD1C: BP4